The following is an entry in ClinVar:

ClinVar aggregate classification (germline): Pathogenic (1 of 4 stars; one submission).

Conditions:
Bloom syndrome (BLM). Also called: Bloom-Torre-Machacek syndrome. Identifiers: Orphanet 125, MedGen C0005859, MONDO:0008876, OMIM 210900.

Submission:

Labcorp Genetics (formerly Invitae), Labcorp
Classification: Pathogenic for Bloom syndrome. Last evaluated: 2021-10-24. Review status: criteria provided, single submitter. Criteria: Invitae Variant Classification Sherloc (09022015). Collection method: clinical testing. Allele origin: germline.
Comment: For these reasons, this variant has been classified as Pathogenic. This variant has not been reported in the literature in individuals affected with BLM-related conditions. This variant is not present in population databases (ExAC no frequency). This sequence change creates a premature translational stop signal (p.Asp795Glufs*20) in the BLM gene. It is expected to result in an absent or disrupted protein product. Loss-of-function variants in BLM are known to be pathogenic (PMID: 17407155).

Literature cited by the submitters: PubMed 17407155.

NM_000057.4(BLM):c.2385del (p.Asp795fs)

Gene: BLM (BLM RecQ like helicase; plus strand). Cytogenetic location: 15q26.1.
Variant type: Deletion.
Coding change: c.2385del on transcript NM_000057.4 (MANE Select); coding-DNA position 2385, one base deleted (T; older notation c.2385delT).
Protein change: p.Asp795fs; shifts the reading frame from aspartic acid 795.
Molecular consequence: frameshift variant.
Genome position (GRCh38, 1-based): chr15:90,769,210, T deleted. VCF-style (leftmost placement, unchanged base first): chr15-90769209-AT-A. GRCh37 (hg19) VCF-style: chr15-91312439-AT-A.
Other names: c.2385del, p.Asp795fs (NM_001287246.2, NM_001287247.2); c.1260del, p.Asp420fs (NM_001287248.2); short protein forms D420fs, D795fs.
Identifiers: ClinVar variation 1454236 (VCV001454236.6), dbSNP rs2151165798, ClinGen allele CA2573151441.